The following is an entry in ClinVar:

NM_003737.4(DCHS1):c.2713C>G (p.Pro905Ala)

Gene: DCHS1 (dachsous cadherin-related 1; minus strand). Cytogenetic location: 11p15.4.
Variant type: single nucleotide variant.
Coding change: c.2713C>G on transcript NM_003737.4 (MANE Select); coding-DNA position 2713, C replaced by G.
Protein change: p.Pro905Ala; replaces proline 905 with alanine.
Molecular consequence: missense variant.
Genome position (GRCh38, 1-based): chr11:6,632,799, G>C on the plus strand (C>G on the coding strand, the complement: DCHS1 is on the minus strand). VCF-style: chr11-6632799-G-C. GRCh37 (hg19) VCF-style: chr11-6654030-G-C.
Other names: short protein forms P905A.
Identifiers: ClinVar variation 1388288 (VCV001388288.6), dbSNP rs1442529927, ClinGen allele CA379419638.

ClinVar aggregate classification (germline): Uncertain significance (1 of 4 stars; one submission).

Submission:

Labcorp Genetics (formerly Invitae), Labcorp
Classification: Uncertain significance. Last evaluated: 2022-08-31. Review status: criteria provided, single submitter. Criteria: Invitae Variant Classification Sherloc (09022015). Collection method: clinical testing. Allele origin: germline.
Comment: In summary, the available evidence is currently insufficient to determine the role of this variant in disease. Therefore, it has been classified as a Variant of Uncertain Significance. Algorithms developed to predict the effect of sequence changes on RNA splicing suggest that this variant may create or strengthen a splice site. Advanced modeling of protein sequence and biophysical properties (such as structural, functional, and spatial information, amino acid conservation, physicochemical variation, residue mobility, and thermodynamic stability) performed at Invitae indicates that this missense variant is not expected to disrupt DCHS1 protein function. ClinVar contains an entry for this variant (Variation ID: 1388288). This variant has not been reported in the literature in individuals affected with DCHS1-related conditions. This variant is not present in population databases (gnomAD no frequency). This sequence change replaces proline, which is neutral and non-polar, with alanine, which is neutral and non-polar, at codon 905 of the DCHS1 protein (p.Pro905Ala).